The following is an entry in ClinVar:

NM_002691.4(POLD1):c.3027C>G (p.Arg1009=)

Gene: POLD1 (DNA polymerase delta 1, catalytic subunit; plus strand). Cytogenetic location: 19q13.33.
Variant type: single nucleotide variant.
Coding change: c.3027C>G on transcript NM_002691.4 (MANE Select); coding-DNA position 3027, C replaced by G.
Protein change: p.Arg1009=; no amino-acid change (arginine 1009 retained).
Molecular consequence: synonymous variant. On other transcripts: non-coding transcript variant (1).
Genome position (GRCh38, 1-based): chr19:50,416,683, C>G. VCF-style: chr19-50416683-C-G. GRCh37 (hg19) VCF-style: chr19-50919940-C-G.
Other names: c.3027C>G, p.Arg1009= (NM_001256849.1); c.3105C>G, p.Arg1035= (NM_001308632.1); c.3027C>G (NM_002691.2).
Identifiers: ClinVar variation 510819 (VCV000510819.2), dbSNP rs1555793478, ClinGen allele CA508305428.

ClinVar aggregate classification (germline): Likely benign. Review status: criteria provided, multiple submitters, no conflicts (2 of 4 stars). 2 submissions from 2 submitters: Likely benign (2). Last evaluated 2026-02-03.

Conditions:
Hereditary cancer-predisposing syndrome. Also called: Tumor predisposition; Hereditary Cancer Syndrome; Neoplastic Syndromes, Hereditary; Hereditary neoplastic syndrome. Identifiers: Orphanet 140162, MedGen C0027672, MeSH D009386, MONDO:0015356.

Submissions (2):

Ambry Genetics
Classification: Likely benign for Hereditary cancer-predisposing syndrome. Last evaluated: 2026-02-03. Review status: criteria provided, single submitter. Criteria: Ambry Variant Classification Scheme 2023. Collection method: clinical testing. Allele origin: germline.

GeneDx
Classification: Likely benign. Last evaluated: 2018-03-12. Review status: criteria provided, single submitter. Criteria: GeneDx Variant Classification (06012015). Collection method: clinical testing. Allele origin: germline. Affected: yes.
Comment: This variant is considered likely benign or benign based on one or more of the following criteria: it is a conservative change, it occurs at a poorly conserved position in the protein, it is predicted to be benign by multiple in silico algorithms, and/or has population frequency not consistent with disease.